The following is an entry in ClinVar:

ClinVar aggregate classification (germline): Uncertain significance (1 of 4 stars; one submission).

Conditions:
Familial melanoma. Also called: Hereditary melanoma; Hereditary cutaneous melanoma. Identifiers: Orphanet 618, MedGen C1512419, MONDO:0018961.

Submission:

Labcorp Genetics (formerly Invitae), Labcorp
Classification: Uncertain significance for Familial melanoma. Last evaluated: 2020-12-12. Review status: criteria provided, single submitter. Criteria: Invitae Variant Classification Sherloc (09022015). Collection method: clinical testing. Allele origin: germline.
Comment: In summary, the available evidence is currently insufficient to determine the role of this variant in disease. Therefore, it has been classified as a Variant of Uncertain Significance. Algorithms developed to predict the effect of missense changes on protein structure and function are either unavailable or do not agree on the potential impact of this missense change (SIFT: "Deleterious"; PolyPhen-2: "Benign"; Align-GVGD: "Class C65"). This variant has not been reported in the literature in individuals with CDK4-related conditions. This variant is not present in population databases (ExAC no frequency). This sequence change replaces lysine with threonine at codon 282 of the CDK4 protein (p.Lys282Thr). The lysine residue is highly conserved and there is a moderate physicochemical difference between lysine and threonine.

NM_000075.4(CDK4):c.845A>C (p.Lys282Thr)

Genes: CDK4 (cyclin dependent kinase 4; minus strand), TSPAN31 (tetraspanin 31; plus strand). Cytogenetic location: 12q14.1.
Variant type: single nucleotide variant.
Coding change: c.845A>C on transcript NM_000075.4 (MANE Select); coding-DNA position 845, A replaced by C.
Protein change: p.Lys282Thr; replaces lysine 282 with threonine.
Molecular consequence: missense variant. On other transcripts: 3 prime UTR variant (3).
Genome position (GRCh38, 1-based): chr12:57,748,592, T>G on the plus strand (A>C on the coding strand, the complement: CDK4 is on the minus strand). VCF-style: chr12-57748592-T-G. GRCh37 (hg19) VCF-style: chr12-58142375-T-G.
Other names: c.*1302T>G (NM_001330168.2, NM_001330169.2, NM_005981.5); short protein forms K282T.
Identifiers: ClinVar variation 1493253 (VCV001493253.8), dbSNP rs2140381204, ClinGen allele CA385542494.